The following is an entry in ClinVar:

ClinVar aggregate classification (germline): Uncertain significance (1 of 4 stars; one submission).

gnomAD v4.1: 106 of 1,613,878 alleles (0.0066%); highest among the groups gnomAD compares: Middle Eastern, 0.017%; no homozygotes.

Submission:

Labcorp Genetics (formerly Invitae), Labcorp
Classification: Uncertain significance. Last evaluated: 2024-08-31. Review status: criteria provided, single submitter. Criteria: Invitae Variant Classification Sherloc (09022015). Collection method: clinical testing. Allele origin: germline.
Comment: This sequence change falls in intron 3 of the TRPV6 gene. It does not directly change the encoded amino acid sequence of the TRPV6 protein. It affects a nucleotide within the consensus splice site. This variant is present in population databases (rs750215352, gnomAD 0.006%). This variant has not been reported in the literature in individuals affected with TRPV6-related conditions. Variants that disrupt the consensus splice site are a relatively common cause of aberrant splicing (PMID: 17576681, 9536098). Algorithms developed to predict the effect of sequence changes on RNA splicing suggest that this variant is not likely to affect RNA splicing. In summary, the available evidence is currently insufficient to determine the role of this variant in disease. Therefore, it has been classified as a Variant of Uncertain Significance.

Literature cited by the submitters: PubMed 17576681; PubMed 9536098.

NM_018646.6(TRPV6):c.469+6G>A

Gene: TRPV6 (transient receptor potential cation channel subfamily V member 6; minus strand). Cytogenetic location: 7q34.
Variant type: single nucleotide variant.
Coding change: c.469+6G>A on transcript NM_018646.6 (MANE Select); 6 bases into the intron after coding-DNA position 469, G replaced by A.
Molecular consequence: intron variant.
Genome position (GRCh38, 1-based): chr7:142,877,645, C>T on the plus strand (G>A on the coding strand, the complement: TRPV6 is on the minus strand). VCF-style: chr7-142877645-C-T. GRCh37 (hg19) VCF-style: chr7-142575398-C-T.
Identifiers: ClinVar variation 3642060 (VCV003642060.2).